The following is an entry in ClinVar:

ClinVar aggregate classification (germline): Uncertain significance. Review status: criteria provided, multiple submitters, no conflicts (2 of 4 stars). 3 submissions from 3 submitters: Uncertain significance (3). Last evaluated 2025-11-10.

Conditions:
Hereditary breast ovarian cancer syndrome. Also called: Hereditary breast and ovarian cancer; Hereditary breast and ovarian cancer syndrome (HBOC); Breast and ovarian cancer; BRCA1- and BRCA2-Associated Hereditary Breast and Ovarian Cancer; Hereditary breast and/or ovarian cancer syndrome; Hereditary breast and ovarian cancer syndrome. Identifiers: Orphanet 145, MedGen C0677776, MeSH D061325, MONDO:0003582. Disease mechanism: loss of function.
Hereditary cancer-predisposing syndrome. Also called: Neoplastic Syndromes, Hereditary; Hereditary neoplastic syndrome; Tumor predisposition; Hereditary Cancer Syndrome. Identifiers: Orphanet 140162, MedGen C0027672, MeSH D009386, MONDO:0015356.

gnomAD v4.1: 1 of 1,612,218 alleles (0.000062%); no homozygotes.

Submissions (3):

Labcorp Genetics (formerly Invitae), Labcorp
Classification: Uncertain significance for Hereditary breast ovarian cancer syndrome. Last evaluated: 2025-11-10. Review status: criteria provided, single submitter. Criteria: Invitae Variant Classification Sherloc (09022015). Collection method: clinical testing. Allele origin: germline.
Comment: This sequence change replaces proline, which is neutral and non-polar, with leucine, which is neutral and non-polar, at codon 26 of the BRCA2 protein (p.Pro26Leu). This variant is not present in population databases (gnomAD no frequency). This missense change has been observed in individual(s) with breast cancer (PMID: 31228304). ClinVar contains an entry for this variant (Variation ID: 619651). Invitae Evidence Modeling of protein sequence and biophysical properties (such as structural, functional, and spatial information, amino acid conservation, physicochemical variation, residue mobility, and thermodynamic stability) indicates that this missense variant is not expected to disrupt BRCA2 protein function with a negative predictive value of 95%. Algorithms developed to predict the effect of sequence changes on RNA splicing suggest that this variant may create or strengthen a splice site. In summary, the available evidence is currently insufficient to determine the role of this variant in disease. Therefore, it has been classified as a Variant of Uncertain Significance.

Quest Diagnostics Nichols Institute San Juan Capistrano
Classification: Uncertain significance. Last evaluated: 2024-11-26. Review status: criteria provided, single submitter. Criteria: Quest Diagnostics criteria. Collection method: clinical testing. Allele origin: unknown.
Comment: The BRCA2 c.77C>T (p.Pro26Leu) variant has been reported in the published literature in an individual with breast cancer (PMID: 31228304 (2019)) and in an individual with prostate cancer (PMID: 36922933 (2022)). This variant has not been reported in large, multi-ethnic general populations (Genome Aggregation Database). Analysis of this variant using bioinformatics tools for the prediction of the effect of amino acid changes on protein structure and function yielded conflicting predictions that this variant is benign or damaging. Based on the available information, we are unable to determine the clinical significance of this variant.

Ambry Genetics
Classification: Uncertain significance for Hereditary cancer-predisposing syndrome. Last evaluated: 2022-05-13. Review status: criteria provided, single submitter. Criteria: Ambry Variant Classification Scheme 2023. Collection method: clinical testing. Allele origin: germline.
Comment: The p.P26L variant (also known as c.77C>T), located in coding exon 2 of the BRCA2 gene, results from a C to T substitution at nucleotide position 77. The proline at codon 26 is replaced by leucine, an amino acid with similar properties. This amino acid position is highly conserved in available vertebrate species. In addition, this alteration is predicted to be tolerated by in silico analysis. In silico splice site analysis for this alteration is inconclusive; however, direct evidence is insufficient at this time (Ambry internal data). Since supporting evidence is limited at this time, the clinical significance of this alteration remains unclear.

Literature cited by the submitters: PubMed 31228304 (cited by Labcorp Genetics (formerly Invitae), Labcorp and Quest Diagnostics Nichols Institute San Juan Capistrano); PubMed 31911673 (cited by Quest Diagnostics Nichols Institute San Juan Capistrano); PubMed 36922933 (cited by Quest Diagnostics Nichols Institute San Juan Capistrano).

NM_000059.4(BRCA2):c.77C>T (p.Pro26Leu)

Gene: BRCA2 (BRCA2 DNA repair associated; plus strand). Cytogenetic location: 13q13.1.
Variant type: single nucleotide variant.
Coding change: c.77C>T on transcript NM_000059.4 (MANE Select); coding-DNA position 77, C replaced by T.
Protein change: p.Pro26Leu; replaces proline 26 with leucine.
Molecular consequence: missense variant.
Genome position (GRCh38, 1-based): chr13:32,319,086, C>T. VCF-style: chr13-32319086-C-T. GRCh37 (hg19) VCF-style: chr13-32893223-C-T.
Other names: short protein forms P26L.
Identifiers: ClinVar variation 619651 (VCV000619651.19), dbSNP rs1566215668, ClinGen allele CA387754049.